The following is an entry in ClinVar:

NM_001366145.2(TRPM3):c.753T>C (p.Ile251=)

Gene: TRPM3 (transient receptor potential cation channel subfamily M member 3; minus strand). Cytogenetic location: 9q21.12.
Variant type: single nucleotide variant.
Coding change: c.753T>C on transcript NM_001366145.2 (MANE Select); coding-DNA position 753, T replaced by C.
Protein change: p.Ile251=; no amino-acid change (isoleucine 251 retained).
Molecular consequence: synonymous variant.
Genome position (GRCh38, 1-based): chr9:70,843,051, A>G on the plus strand (T>C on the coding strand, the complement: TRPM3 is on the minus strand). VCF-style: chr9-70843051-A-G. GRCh37 (hg19) VCF-style: chr9-73457967-A-G.
Other names: c.294T>C, p.Ile98= (NM_001007470.3, NM_001366154.2, NM_020952.6 and 6 more transcripts); c.753T>C, p.Ile251= (NM_001007471.4, NM_001366146.2, NM_001366147.2 and 6 more transcripts); c.759T>C, p.Ile253= (NM_001366141.2, NM_001366142.2, NM_001366143.2 and 1 more transcripts).
Identifiers: ClinVar variation 3048625 (VCV003048625.6), dbSNP rs148651909, ClinGen allele CA5078871.
Genomic context (GRCh38, chr9:70,843,051, plus strand): 5'-CTCAGGACTTACATCTCTTCCAATGAGGTCCTCCTGGTTTTCCACAATTCCCCAGGGGGC[A>G]ATACCTATGGTGCATATCTTTCCTCGAGACTTAGAGGCATGATCCTTCAAGGCATCGCCA-3'
Protein context (NP_001353074.1, residues 241-261): KSRGKICTIG[Ile251=]APWGIVENQE

ClinVar aggregate classification (germline): Likely benign. Review status: criteria provided, single submitter (1 of 4 stars). 2 submissions from 2 submitters: Likely benign (1). 1 of the submissions does not count toward it. Last evaluated 2026-03-01.

Conditions:
TRPM3-related disorder. Also called: TRPM3-related condition.

Allele frequency attached by ClinVar (database versions not stated): gnomAD exomes 0.00015; ExAC 0.00059; ESP Exome Variant Server 0.00138; gnomAD 0.00168; 1000 Genomes Project 0.00220; TOPMed 0.00221; 1000 Genomes Project 30x 0.00297.
gnomAD v4.1: 487 of 1,613,848 alleles (0.03%); highest among the groups gnomAD compares: African/African-American, 0.56%; 2 homozygotes.

Submissions (2):

CeGaT Center for Human Genetics Tuebingen
Classification: Likely benign. Last evaluated: 2026-03-01. Review status: criteria provided, single submitter. Criteria: CeGaT Center For Human Genetics Tuebingen Variant Classification Criteria Version 2. Collection method: clinical testing. Allele origin: germline. Affected: yes. Observed: 1 variant allele.
Comment: TRPM3: BP4, BP7, BS1

PreventionGenetics, part of Exact Sciences
Classification: Likely benign for TRPM3-related condition. Last evaluated: 2019-11-25. Review status: no assertion criteria provided. Collection method: clinical testing. Allele origin: germline. Not counted in ClinVar's aggregate classification.
Comment: This variant is classified as likely benign based on ACMG/AMP sequence variant interpretation guidelines (Richards et al. 2015 PMID: 25741868, with internal and published modifications).